The following is an entry in ClinVar:

ClinVar aggregate classification (germline): Uncertain significance. Review status: criteria provided, multiple submitters, no conflicts (2 of 4 stars). 4 submissions from 4 submitters: Uncertain significance (4). Last evaluated 2024-10-29.

Conditions:
RYR1-related disorder. Also called: RYR1-related condition; RYR1-related disorders. Identifiers: MedGen CN239331.
Malignant hyperthermia, susceptibility to, 1 (MHS1). Also called: RYR1-Related Malignant Hyperthermia Susceptibility; Malignant hyperthermia suceptibility 1; Anesthesia related hyperthermia; Malignant hyperpyrexia; Fulminating hyperpyrexia; Pharmacogenic myopathy. Identifiers: Orphanet 423, MedGen C2930980, MONDO:0007783, OMIM 145600.
Congenital multicore myopathy with external ophthalmoplegia (CMYO1B). Also called: MULTICORE MYOPATHY; Congenital myopathy 1B, autosomal recessive; Minicore myopathy; Minicore myopathy with external ophthalmoplegia; MULTIMINICORE DISEASE WITH EXTERNAL OPHTHALMOPLEGIA. Identifiers: Orphanet 598, Orphanet 98905, MedGen C1850674, MONDO:0009712, OMIM 255320, HP:0003789.

Allele frequency attached by ClinVar (database versions not stated): gnomAD exomes below 0.00001; TOPMed 0.00001; ExAC 0.00002.
gnomAD v4.1: 2 of 1,614,052 alleles (0.00012%); highest among the groups gnomAD compares: South Asian, 0.0022%; no homozygotes.

Submissions (4):

Department of Human Genetics, Hannover Medical School
Classification: Uncertain significance for Congenital multicore myopathy with external ophthalmoplegia. Last evaluated: 2024-10-29. Review status: criteria provided, single submitter. Criteria: ACMG Guidelines, 2015. Collection method: clinical testing. Allele origin: germline. Affected: yes.

Labcorp Genetics (formerly Invitae), Labcorp
Classification: Uncertain significance for RYR1-related disorder. Last evaluated: 2024-07-27. Review status: criteria provided, single submitter. Criteria: Invitae Variant Classification Sherloc (09022015). Collection method: clinical testing. Allele origin: germline.
Comment: This sequence change replaces glutamic acid, which is acidic and polar, with lysine, which is basic and polar, at codon 4909 of the RYR1 protein (p.Glu4909Lys). This variant is present in population databases (rs780237633, gnomAD 0.006%). This missense change has been observed in individual(s) with RYR1-related conditions (PMID: 35387801). ClinVar contains an entry for this variant (Variation ID: 2141021). Advanced modeling of protein sequence and biophysical properties (such as structural, functional, and spatial information, amino acid conservation, physicochemical variation, residue mobility, and thermodynamic stability) has been performed at Invitae for this missense variant, however the output from this modeling did not meet the statistical confidence thresholds required to predict the impact of this variant on RYR1 protein function. In summary, the available evidence is currently insufficient to determine the role of this variant in disease. Therefore, it has been classified as a Variant of Uncertain Significance.

All of Us Research Program, National Institutes of Health
Classification: Uncertain significance for Malignant hyperthermia, susceptibility to, 1. Last evaluated: 2023-08-14. Review status: criteria provided, single submitter. Criteria: ACMG Guidelines, 2015. Collection method: clinical testing. Allele origin: germline. Inheritance: Autosomal dominant inheritance. Observed: 2 variant alleles, 2 heterozygotes.
Comment: This study involves interpretation of variants in research participants for the purpose of population health screening. Participant phenotype was not available at the time of variant classification. Additional details can be found in publication PMID: 35346344, PMCID: PMC8962531

Revvity Omics, Revvity
Classification: Uncertain significance. Last evaluated: 2021-10-12. Review status: criteria provided, single submitter. Criteria: ACMG Guidelines, 2015. Collection method: clinical testing. Allele origin: germline.

Literature cited by the submitters: PubMed 35387801 (cited by Labcorp Genetics (formerly Invitae), Labcorp).

NM_000540.3(RYR1):c.14725G>A (p.Glu4909Lys)

Gene: RYR1 (ryanodine receptor 1; plus strand). Cytogenetic location: 19q13.2.
Variant type: single nucleotide variant.
Coding change: c.14725G>A on transcript NM_000540.3 (MANE Select); coding-DNA position 14725, G replaced by A.
Protein change: p.Glu4909Lys; replaces glutamic acid 4909 with lysine.
Molecular consequence: missense variant.
Genome position (GRCh38, 1-based): chr19:38,585,021, G>A. VCF-style: chr19-38585021-G-A. GRCh37 (hg19) VCF-style: chr19-39075661-G-A.
Other names: c.14710G>A, p.Glu4904Lys (NM_001042723.2); short protein forms E4904K, E4909K.
Identifiers: ClinVar variation 2141021 (VCV002141021.7), dbSNP rs780237633, ClinGen allele CA061556.